The following is an entry in ClinVar:

ClinVar aggregate classification (germline): Likely benign. Review status: criteria provided, multiple submitters, no conflicts (2 of 4 stars). 2 submissions from 2 submitters: Likely benign (2). Last evaluated 2025-06-29.

Allele frequency attached by ClinVar (database versions not stated): ExAC 0.00006.
gnomAD v4.1: 45 of 1,536,608 alleles (0.0029%); highest among the groups gnomAD compares: African/African-American, 0.0082%; 1 homozygote.

Submissions (2):

Labcorp Genetics (formerly Invitae), Labcorp
Classification: Likely benign. Last evaluated: 2025-06-29. Review status: criteria provided, single submitter. Criteria: Invitae Variant Classification Sherloc (09022015). Collection method: clinical testing. Allele origin: germline.

CeGaT Center for Human Genetics Tuebingen
Classification: Likely benign. Last evaluated: 2022-08-01. Review status: criteria provided, single submitter. Criteria: CeGaT Center For Human Genetics Tuebingen Variant Classification Criteria Version 2. Collection method: clinical testing. Allele origin: germline. Affected: yes. Observed: 1 variant allele.
Comment: FAM20C: BP4, BP7

NM_020223.4(FAM20C):c.1578C>T (p.Ala526=)

Gene: FAM20C (FAM20C golgi associated secretory pathway kinase; plus strand). Cytogenetic location: 7p22.3.
Variant type: single nucleotide variant.
Coding change: c.1578C>T on transcript NM_020223.4 (MANE Select); coding-DNA position 1578, C replaced by T.
Protein change: p.Ala526=; no amino-acid change (alanine 526 retained).
Molecular consequence: synonymous variant.
Genome position (GRCh38, 1-based): chr7:259,803, C>T. VCF-style: chr7-259803-C-T. GRCh37 (hg19) VCF-style: chr7-299769-C-T.
Identifiers: ClinVar variation 2419231 (VCV002419231.31), dbSNP rs140924363, ClinGen allele CA4109200.